The following is an entry in ClinVar:

ClinVar aggregate classification (germline): Uncertain significance (1 of 4 stars; one submission).

gnomAD v4.1: 2 of 1,210,610 alleles (0.00017%); highest among the groups gnomAD compares: Non-Finnish European, 0.00022%; no homozygotes.

Submission:

Labcorp Genetics (formerly Invitae), Labcorp
Classification: Uncertain significance. Last evaluated: 2024-11-25. Review status: criteria provided, single submitter. Criteria: Invitae Variant Classification Sherloc (09022015). Collection method: clinical testing. Allele origin: germline.
Comment: This sequence change replaces glutamic acid, which is acidic and polar, with lysine, which is basic and polar, at codon 426 of the CFP protein (p.Glu426Lys). This variant is not present in population databases (gnomAD no frequency). This variant has not been reported in the literature in individuals affected with CFP-related conditions. Invitae Evidence Modeling of protein sequence and biophysical properties (such as structural, functional, and spatial information, amino acid conservation, physicochemical variation, residue mobility, and thermodynamic stability) indicates that this missense variant is not expected to disrupt CFP protein function with a negative predictive value of 80%. In summary, the available evidence is currently insufficient to determine the role of this variant in disease. Therefore, it has been classified as a Variant of Uncertain Significance.

NM_001145252.3(CFP):c.1276G>A (p.Glu426Lys)

Gene: CFP (complement factor properdin; minus strand). Cytogenetic location: Xp11.23.
Variant type: single nucleotide variant.
Coding change: c.1276G>A on transcript NM_001145252.3 (MANE Select); coding-DNA position 1276, G replaced by A.
Protein change: p.Glu426Lys; replaces glutamic acid 426 with lysine.
Molecular consequence: missense variant.
Genome position (GRCh38, 1-based): chrX:47,624,409, C>T on the plus strand (G>A on the coding strand, the complement: CFP is on the minus strand). VCF-style: chrX-47624409-C-T. GRCh37 (hg19) VCF-style: chrX-47483808-C-T.
Other names: c.1276G>A, p.Glu426Lys (NM_002621.2); short protein forms E426K.
Identifiers: ClinVar variation 3688562 (VCV003688562.2).
Genomic context (GRCh38, chrX:47,624,409, plus strand): 5'-TCTGCCCTTGTAGCTCCTCACACCGTGGCAGCGGTCTCCCCCAGAAGGTCACGTTCTTCT[C>T]GCCCTGACCTTCGACCATGGAAACGGTGGGCCTGAGGCATTAGGGGTGGGGAGGAACGGA-3'
Protein context (NP_001138724.1, residues 416-436): PTVSMVEGQG[Glu426Lys]KNVTFWGRPL